The following is an entry in ClinVar:

NM_173477.5(USH1G):c.*776G>A

Gene: USH1G (USH1 protein network component sans; minus strand). Cytogenetic location: 17q25.1.
Variant type: single nucleotide variant.
Coding change: c.*776G>A on transcript NM_173477.5 (MANE Select); 776 bases downstream of the stop codon, G replaced by A.
Molecular consequence: 3 prime UTR variant.
Genome position (GRCh38, 1-based): chr17:74,917,297, C>T on the plus strand (G>A on the coding strand, the complement: USH1G is on the minus strand). VCF-style: chr17-74917297-C-T. GRCh37 (hg19) VCF-style: chr17-72913391-C-T.
Other names: c.*776G>A (NM_001282489.3).
Identifiers: ClinVar variation 891588 (VCV000891588.4), dbSNP rs55847044, ClinGen allele CA293981870.

ClinVar aggregate classification (germline): Likely benign (1 of 4 stars; one submission).

Conditions:
Usher syndrome type 1G. Also called: USHER SYNDROME, TYPE IG, MILD. Identifiers: Orphanet 231169, Orphanet 886, MedGen C1847089, MONDO:0011748, OMIM 606943.

Allele frequency attached by ClinVar (database versions not stated): gnomAD 0.00232 and 0.00248; 1000 Genomes Project 0.00240; 1000 Genomes Project 30x 0.00250; TOPMed 0.00327; gnomAD exomes 0.00595.

Submission:

Illumina Laboratory Services, Illumina
Classification: Likely benign for Usher syndrome type 1G. Last evaluated: 2017-04-27. Review status: criteria provided, single submitter. Criteria: ICSL Variant Classification Criteria 13 December 2019. Collection method: clinical testing. Allele origin: germline.
Comment: This variant was observed as part of a predisposition screen in an ostensibly healthy population. A literature search was performed for the gene, cDNA change, and amino acid change (where applicable). No publications were found based on this search. Allele frequency data from public databases allowed determination this variant is unlikely to cause disease. Therefore, this variant is classified as likely benign.